The following is an entry in ClinVar:

ClinVar aggregate classification (germline): Uncertain significance (1 of 4 stars; one submission).

Submission:

Ambry Genetics
Classification: Uncertain significance. Last evaluated: 2025-05-02. Review status: criteria provided, single submitter. Criteria: Ambry Variant Classification Scheme 2023. Collection method: clinical testing. Allele origin: germline.
Comment: The p.E753K variant (also known as c.2257G>A), located in coding exon 8 of the RNF43 gene, results from a G to A substitution at nucleotide position 2257. The glutamic acid at codon 753 is replaced by lysine, an amino acid with similar properties. This amino acid position is conserved. In addition, this alteration is predicted to be tolerated by in silico analysis. Based on the available evidence, the clinical significance of this variant remains unclear.

NM_017763.6(RNF43):c.2257G>A (p.Glu753Lys)

Gene: RNF43 (ring finger protein 43; minus strand). Cytogenetic location: 17q22.
Variant type: single nucleotide variant.
Coding change: c.2257G>A on transcript NM_017763.6 (MANE Select); coding-DNA position 2257, G replaced by A.
Protein change: p.Glu753Lys; replaces glutamic acid 753 with lysine.
Molecular consequence: missense variant.
Genome position (GRCh38, 1-based): chr17:58,357,519, C>T on the plus strand (G>A on the coding strand, the complement: RNF43 is on the minus strand). VCF-style: chr17-58357519-C-T. GRCh37 (hg19) VCF-style: chr17-56434880-C-T.
Other names: c.2257G>A, p.Glu753Lys (NM_001305544.3); c.1876G>A, p.Glu626Lys (NM_001305545.2); short protein forms E753K, E626K.
Identifiers: ClinVar variation 3946877 (VCV003946877.1).
Genomic context (GRCh38, chr17:58,357,519, plus strand): 5'-AAAACTCACCAGGCTGGGCCGACAGCACCTGGCAGTGCGGATAAGGGCATGGCCTGCCCT[C>T]TGCGGTGTCAGAACTCCATTCAGAAGGCCCCTCCCCAGGTGGATGTGGTTCCAGGGGCTG-3'
Protein context (NP_060233.3, residues 743-763): GPSEWSSDTA[Glu753Lys]GRPCPYPHCQ